The following is an entry in ClinVar:

NM_000038.6(APC):c.6797C>G (p.Thr2266Arg)

Gene: APC (APC regulator of Wnt signaling pathway; plus strand). Cytogenetic location: 5q22.2.
Variant type: single nucleotide variant.
Coding change: c.6797C>G on transcript NM_000038.6 (MANE Select); coding-DNA position 6797, C replaced by G.
Protein change: p.Thr2266Arg; replaces threonine 2266 with arginine.
Molecular consequence: missense variant.
Genome position (GRCh38, 1-based): chr5:112,842,391, C>G. VCF-style: chr5-112842391-C-G. GRCh37 (hg19) VCF-style: chr5-112178088-C-G.
Other names: c.6797C>G, p.Thr2266Arg (NM_001127510.3, NM_001354895.2); c.6743C>G, p.Thr2248Arg (NM_001127511.3); c.6851C>G, p.Thr2284Arg (NM_001354896.2); c.6827C>G, p.Thr2276Arg (NM_001354897.2); c.6722C>G, p.Thr2241Arg (NM_001354898.2); c.6713C>G, p.Thr2238Arg (NM_001354899.2); c.6674C>G, p.Thr2225Arg (NM_001354900.2); c.6620C>G, p.Thr2207Arg (NM_001354901.2); and 5 more; short protein forms T2165R, T2238R, T2241R, T2266R, T1983R, T2140R, T2175R, T2225R.
Identifiers: ClinVar variation 1038567 (VCV001038567.10), dbSNP rs1766306312, ClinGen allele CA16036177.
Genomic context (GRCh38, chr5:112,842,391, plus strand): 5'-TTTCTAAAAAAGGCCCACCCCTTAAGACTCCAGCCTCCAAAAGCCCTAGTGAAGGTCAAA[C>G]AGCCACCACTTCTCCTAGAGGAGCCAAGCCATCTGTGAAATCAGAATTAAGCCCTGTTGC-3'
Protein context (NP_000029.2, residues 2256-2276): PASKSPSEGQ[Thr2266Arg]ATTSPRGAKP

ClinVar aggregate classification (germline): Uncertain significance (1 of 4 stars; one submission).

Conditions:
Familial adenomatous polyposis 1 (FAP1). Also called: FAMILIAL ADENOMATOUS POLYPOSIS 1, ATTENUATED; POLYPOSIS, ADENOMATOUS INTESTINAL. Identifiers: MedGen C2713442, MONDO:0021056, OMIM 175100. Disease mechanism: loss of function.

Submission:

Labcorp Genetics (formerly Invitae), Labcorp
Classification: Uncertain significance for Familial adenomatous polyposis 1. Last evaluated: 2024-04-22. Review status: criteria provided, single submitter. Criteria: Invitae Variant Classification Sherloc (09022015). Collection method: clinical testing. Allele origin: germline.
Comment: This sequence change replaces threonine, which is neutral and polar, with arginine, which is basic and polar, at codon 2266 of the APC protein (p.Thr2266Arg). This variant is not present in population databases (gnomAD no frequency). This variant has not been reported in the literature in individuals affected with APC-related conditions. ClinVar contains an entry for this variant (Variation ID: 1038567). Advanced modeling of protein sequence and biophysical properties (such as structural, functional, and spatial information, amino acid conservation, physicochemical variation, residue mobility, and thermodynamic stability) performed at Invitae indicates that this missense variant is not expected to disrupt APC protein function with a negative predictive value of 95%. In summary, the available evidence is currently insufficient to determine the role of this variant in disease. Therefore, it has been classified as a Variant of Uncertain Significance.